The following is an entry in ClinVar:

NM_002834.5(PTPN11):c.1502G>A (p.Arg501Lys)

Gene: PTPN11 (protein tyrosine phosphatase non-receptor type 11; plus strand). Cytogenetic location: 12q24.13.
Variant type: single nucleotide variant.
Coding change: c.1502G>A on transcript NM_002834.5 (MANE Select); coding-DNA position 1502, G replaced by A.
Protein change: p.Arg501Lys; replaces arginine 501 with lysine.
Molecular consequence: missense variant.
Genome position (GRCh38, 1-based): chr12:112,489,078, G>A. VCF-style: chr12-112489078-G-A. GRCh37 (hg19) VCF-style: chr12-112926882-G-A.
Other names: p.R501K:AGG>AAG; c.1514G>A, p.Arg505Lys (NM_001330437.2); c.1499G>A, p.Arg500Lys (NM_001374625.1); short protein forms R501K, R505K, R500K.
Identifiers: ClinVar variation 40555 (VCV000040555.36), dbSNP rs397507543, ClinGen allele CA261549.

ClinVar aggregate classification (germline): Pathogenic/Likely pathogenic. Review status: criteria provided, multiple submitters, no conflicts (2 of 4 stars). 16 submissions from 16 submitters: Pathogenic (7); Likely pathogenic (5). 4 of the submissions do not count toward it. Last evaluated 2025-10-21.

Conditions:
Monogenic short statue.
Depressed nasal ridge. Identifiers: MedGen C1842876, HP:0000457.
Wide nasal bridge. Identifiers: MedGen C1849367, HP:0000431.
Abnormal pinna morphology. Also called: Bilateral external ear deformity; Abnormality of the pinna. Identifiers: MedGen C0857379, HP:0000377.
Microcephaly. Also called: Microcephaly (disease). Identifiers: MedGen C4551563, MONDO:0001149, HP:0000252.
Abnormal cardiovascular system morphology. Also called: Abnormality of cardiovascular system morphology. Identifiers: MedGen C4049796, HP:0030680.
Epicanthus. Also called: Epicanthal fold. Identifiers: MedGen C0678230, OMIM 131500, HP:0000286.
Short stature. Identifiers: MedGen C0349588, HP:0004322.
Cardiovascular phenotype. Identifiers: MedGen CN230736.
Metachondromatosis (METCDS). Identifiers: Orphanet 2499, MedGen C0410530, MONDO:0007979, OMIM 156250.
Noonan syndrome 1 (NS1). Also called: TURNER PHENOTYPE WITH NORMAL KARYOTYPE; PTPN11-Related Noonan Syndrome; FEMALE PSEUDO-TURNER SYNDROME. Identifiers: Orphanet 648, MedGen C4551602, MONDO:0008104, OMIM 163950. Disease mechanism: gain of function.
LEOPARD syndrome 1 (LPRD1). Also called: LENTIGINOSIS, CARDIOMYOPATHIC; MULTIPLE LENTIGINES SYNDROME; PTPN11-Related LEOPARD Syndrome. Identifiers: Orphanet 500, MedGen C4551484, MONDO:0100082, OMIM 151100.
Juvenile myelomonocytic leukemia (JMML). Also called: LEUKEMIA, JUVENILE MYELOMONOCYTIC, SOMATIC. Identifiers: Orphanet 86834, MedGen C0349639, MONDO:0011908, OMIM 607785, HP:0012209.
RASopathy. Also called: rasopathies; Noonan spectrum disorder. Identifiers: Orphanet 536391, MedGen C5555857, MONDO:0021060.
Noonan syndrome (NS). Also called: Noonan's syndrome. Identifiers: Orphanet 648, MedGen C0028326, MeSH D009634, MONDO:0018997. Disease mechanism: gain of function.

Allele frequency attached by ClinVar (database versions not stated): gnomAD exomes below 0.00001.
gnomAD v4.1: 3 of 1,614,178 alleles (0.00019%); highest among the groups gnomAD compares: Non-Finnish European, 0.00025%; no homozygotes.

Submissions (16):

NHS Central & South Genomic Laboratory Hub
Classification: Likely pathogenic for Monogenic short statue. Last evaluated: 2025-10-21. Review status: criteria provided, single submitter. Criteria: ACMG Guidelines, 2015. Collection method: clinical testing. Allele origin: germline. Affected: yes.

Labcorp Genetics (formerly Invitae), Labcorp
Classification: Pathogenic for RASopathy. Last evaluated: 2025-09-29. Review status: criteria provided, single submitter. Criteria: Invitae Variant Classification Sherloc (09022015). Collection method: clinical testing. Allele origin: germline.
Comment: This sequence change replaces arginine, which is basic and polar, with lysine, which is basic and polar, at codon 501 of the PTPN11 protein (p.Arg501Lys). This variant is not present in population databases (gnomAD no frequency). This missense change has been observed in individuals with Noonan syndrome (PMID: 11992261, 16263833, 18470943, 18562489, 19795160). It has also been observed to segregate with disease in related individuals. ClinVar contains an entry for this variant (Variation ID: 40555). Invitae Evidence Modeling incorporating data from in vitro experimental studies (internal data) indicates that this missense variant is expected to disrupt PTPN11 function with a positive predictive value of 95%. For these reasons, this variant has been classified as Pathogenic.

Institute for Genomic Medicine (IGM) Clinical Laboratory, Nationwide Children's Hospital
Classification: Likely pathogenic for Noonan syndrome 1. Last evaluated: 2024-09-24. Review status: criteria provided, single submitter. Criteria: ACMG Guidelines, 2015. Collection method: clinical testing. Allele origin: germline.
Comment: This variant has been reported at an elevated frequency in affected individuals/in multiple affected individuals in the literature (ACMG/AMP: PS4; PMIDs:19795160, 18562489, 11992261, 16263833, 35325944). This variant is absent from or present at an exceedingly low frequency in gnomAD, a large-scale control population database (ACMG/AMP: PM2). This variant occurs in a gene with a low rate of benign missense variation, in which missense alterations are a common mechanism of disease (ACMG/AMP: PP2). This variant is predicted to alter protein function or structure, or disrupt splicing by multiple in silico tools (ACMG/AMP: PP3).

Institute of Human Genetics, Clinical Exome/Genome Diagnostics Group, University Hospital Bonn
Classification: Likely pathogenic for Noonan syndrome 1. Last evaluated: 2024-06-18. Review status: criteria provided, single submitter. Criteria: ACMG Guidelines, 2015. Collection method: clinical testing. Allele origin: maternal. Affected: yes.

Mayo Clinic Laboratories, Mayo Clinic
Classification: Pathogenic. Last evaluated: 2022-12-07. Review status: criteria provided, single submitter. Criteria: ACMG Guidelines, 2015. Collection method: clinical testing. Allele origin: germline. Observed: 5 variant alleles.
Comment: PP2, PP3, PM2_supporting, PS4

GeneDx
Classification: Pathogenic. Last evaluated: 2022-04-19. Review status: criteria provided, single submitter. Criteria: GeneDx Variant Classification Process June 2021. Collection method: clinical testing. Allele origin: germline. Affected: yes.
Comment: Identified in several unrelated patients with Noonan syndrome in published literature (Tartaglia et al., 2002; Limal et al., 2006; Noordam et al., 2008; Jefferies et al., 2010); The majority of missense variants in this gene are considered pathogenic (HGMD); In silico analysis supports that this missense variant has a deleterious effect on protein structure/function; Not observed at significant frequency in large population cohorts (gnomAD); This variant is associated with the following publications: (PMID: 19795160, 24803665, 18562489, 11992261, 16263833, 18470943, 31134136, 33726816, 35325944)

Centre of Medical Genetics, University Hospital Muenster
Classification: Pathogenic for Short stature; Microcephaly; Abnormal cardiovascular system morphology; Epicanthus; Abnormal pinna morphology; Wide nasal bridge; Depressed nasal ridge. Last evaluated: 2021-12-13. Review status: criteria provided, single submitter. Criteria: ACMG Guidelines, 2015. Collection method: clinical testing. Allele origin: germline. Affected: yes. Observed: 1 variant allele, 1 heterozygote.
Comment: ACMG categories: PM1,PM2,PP3,PP4,PP5

Ambry Genetics
Classification: Pathogenic for Cardiovascular phenotype. Last evaluated: 2021-10-05. Review status: criteria provided, single submitter. Criteria: Ambry Variant Classification Scheme 2023. Collection method: clinical testing. Allele origin: germline.
Comment: The c.1502G>A (p.R501K) alteration is located in exon 13 (coding exon 13) of the PTPN11 gene. This alteration results from a G to A substitution at nucleotide position 1502, causing the arginine (R) at amino acid position 501 to be replaced by a lysine (K). This variant was not reported in population-based cohorts in the Genome Aggregation Database (gnomAD). This alteration has been reported in multiple patients with Noonan syndrome (Tartaglia, 2002; Limal, 2006; Noordam, 2008; Jefferies, 2010; Moniez, 2018). This amino acid position is highly conserved in available vertebrate species. This alteration is predicted to be deleterious by in silico analysis. Based on the available evidence, this alteration is classified as pathogenic.

Women's Health and Genetics/Laboratory Corporation of America, LabCorp
Classification: Pathogenic for RASopathy. Last evaluated: 2021-03-25. Review status: criteria provided, single submitter. Criteria: LabCorp Variant Classification Summary - May 2015. Collection method: clinical testing. Allele origin: germline.
Comment: Variant summary: PTPN11 c.1502G>A (p.Arg501Lys) results in a conservative amino acid change located in the PTP type protein phosphatase domain (IPR000242) of the encoded protein sequence. Four of five in-silico tools predict a damaging effect of the variant on protein function. The variant was absent in 251492 control chromosomes. c.1502G>A has been widely reported in the literature in individuals affected with Noonan Syndrome (example, Tartaglia_2002, Limal_2006, Aoki_2008, Noordam_2008, Jefferies_2010). These data indicate that the variant is likely to be associated with disease. To our knowledge, no experimental evidence demonstrating an impact on protein function has been reported. Two clinical diagnostic laboratories have submitted clinical-significance assessments for this variant to ClinVar after 2014. All laboratories classified the variant as pathogenic citing overlapping evidence utilized in the context of this evaluation. Based on the evidence outlined above, the variant was classified as pathogenic.

Laboratory for Molecular Medicine, Mass General Brigham Personalized Medicine
Classification: Pathogenic for Noonan syndrome. Last evaluated: 2016-01-26. Review status: criteria provided, single submitter. Criteria: LMM Criteria. Collection method: clinical testing. Allele origin: germline. Inheritance: Autosomal dominant inheritance. Observed: 7 variant alleles.
Comment: The p.Arg501Lys variant in PTPN11 has been reported in >10 individuals with the clinical features of Noonan syndrome and segregated with disease in 1 affected r elative (Tartaglia 2002, Limal 2006, Noordam 2008, Jefferies 2010, LMM unpublish ed data). It has not been identified in large population studies. In summary, th is variant meets our criteria to be classified as pathogenic for Noonan syndrome in an autosomal dominant manner based upon presence in multiple affected indivi duals, segregation studies, and absence in the general population.

Institute for Medical Genetics and Human Genetics, Charité - Universitätsmedizin Berlin
Classification: Likely pathogenic. Review status: criteria provided, single submitter. Criteria: ACMG Guidelines, 2015. Collection method: not provided. Allele origin: germline. Affected: yes.

Juno Genomics, Hangzhou Juno Genomics, Inc
Classification: Likely pathogenic for LEOPARD syndrome 1; Juvenile myelomonocytic leukemia; Metachondromatosis; Noonan syndrome 1. Review status: criteria provided, single submitter. Criteria: ACMG Guidelines, 2015. Collection method: clinical testing. Allele origin: germline. Affected: yes.
Comment: The prevalence of the variant in affected individuals is significantly increased compared to the prevalence in controls.;De novo (both maternity and paternity confirmed) in a patient with the disease and no family history.;Absent from controls (or at extremely low frequency if recessive) in Genome Aggregation Database, Exome Sequencing Project, 1000 Genomes Project, or Exome Aggregation Consortium.;Missense variant in a gene that has a low rate of benign missense variation and where missense variants are a common mechanism of disease.;Multiple lines of computational evidence support a deleterious effect on the gene or gene product (conservation, evolutionary, splicing impact, etc).;Patient's phenotype or family history is highly specific for a disease with a single genetic etiology.

Department of Genetics, Beijing BioBiggen Technology Co., Ltd.
Classification: Pathogenic for Noonan syndrome 1. Last evaluated: 2022-06-29. Review status: no assertion criteria provided. Collection method: research. Allele origin: germline. Affected: yes. Not counted in ClinVar's aggregate classification.

Diagnostic Laboratory, Department of Genetics, University Medical Center Groningen
Classification: Pathogenic. Review status: no assertion criteria provided. Collection method: clinical testing. Allele origin: germline. Affected: yes. Study: VKGL Data-share Consensus. Not counted in ClinVar's aggregate classification.

Genome Diagnostics Laboratory, Amsterdam University Medical Center
Classification: Pathogenic. Review status: no assertion criteria provided. Collection method: clinical testing. Allele origin: germline. Affected: yes. Study: VKGL Data-share Consensus. Not counted in ClinVar's aggregate classification.

Joint Genome Diagnostic Labs from Nijmegen and Maastricht, Radboudumc and MUMC+
Classification: Pathogenic. Review status: no assertion criteria provided. Collection method: clinical testing. Allele origin: germline. Affected: yes. Study: VKGL Data-share Consensus. Not counted in ClinVar's aggregate classification.

Literature cited by the submitters: PubMed 11992261 (cited by 5 submitters); PubMed 16263833 (cited by 5 submitters); PubMed 18470943 (cited by Labcorp Genetics (formerly Invitae), Labcorp and Women's Health and Genetics/Laboratory Corporation of America, LabCorp); PubMed 18562489 (cited by 5 submitters); PubMed 19795160 (cited by 5 submitters); PubMed 35325944 (cited by Institute for Genomic Medicine (IGM) Clinical Laboratory, Nationwide Children's Hospital); PubMed 33726816 (cited by Mayo Clinic Laboratories, Mayo Clinic); PubMed 11704759 (cited by Ambry Genetics); PubMed 30325180 (cited by Ambry Genetics); PubMed 12717436 (cited by Women's Health and Genetics/Laboratory Corporation of America, LabCorp); PubMed 16377799 (cited by Women's Health and Genetics/Laboratory Corporation of America, LabCorp); PubMed 15928039 (cited by Laboratory for Molecular Medicine, Mass General Brigham Personalized Medicine).